The following is an entry in ClinVar:

NM_025114.4(CEP290):c.2107G>A (p.Ala703Thr)

Gene: CEP290 (centrosomal protein 290; minus strand). Cytogenetic location: 12q21.32.
Variant type: single nucleotide variant.
Coding change: c.2107G>A on transcript NM_025114.4 (MANE Select); coding-DNA position 2107, G replaced by A.
Protein change: p.Ala703Thr; replaces alanine 703 with threonine.
Molecular consequence: missense variant.
Genome position (GRCh38, 1-based): chr12:88,111,804, C>T on the plus strand (G>A on the coding strand, the complement: CEP290 is on the minus strand). VCF-style: chr12-88111804-C-T. GRCh37 (hg19) VCF-style: chr12-88505581-C-T.
Other names: short protein forms A703T.
Identifiers: ClinVar variation 2614269 (VCV002614269.4), dbSNP rs2500765763, ClinGen allele CA385975283.
Genomic context (GRCh38, chr12:88,111,804, plus strand): 5'-GAGATTCCCTGAGCTCCTGTCTTAATTCTTCATTTCTTCCGGTAAGCTGATCAACTTGGG[C>T]TTTCAAATGCAGACTCGCATCAAAGATTCCTTCTGCATTCTTTGATTCTATAGCCTAGCA-3'
Protein context (NP_079390.3, residues 693-713): GIFDASLHLK[Ala703Thr]QVDQLTGRNE

ClinVar aggregate classification (germline): Uncertain significance. Review status: criteria provided, multiple submitters, no conflicts (2 of 4 stars). 2 submissions from 2 submitters: Uncertain significance (2). Last evaluated 2025-11-05.

Conditions:
Inborn genetic diseases. Identifiers: MedGen C0950123, MeSH D030342.

Submissions (2):

Dasa
Classification: Uncertain significance. Last evaluated: 2025-11-05. Review status: criteria provided, single submitter. Criteria: DASA Assertion Criteria. Collection method: clinical testing. Allele origin: germline.
Comment: NM_025114.4(CEP290):c.2107G>A (p.Ala703Thr) is a missense variant that results in the substitution of alanine with threonine. This variant is absent from population databases. The currently available literature and clinical evidence are not sufficient to establish a definitive association between this variant and the reported condition. Therefore, this variant is classified as a variant of uncertain significance.

Ambry Genetics
Classification: Uncertain significance for Inborn genetic diseases. Last evaluated: 2023-07-25. Review status: criteria provided, single submitter. Criteria: Ambry Variant Classification Scheme 2023. Collection method: clinical testing. Allele origin: germline.